The following is an entry in ClinVar:

ClinVar aggregate classification (germline): Uncertain significance. Review status: criteria provided, multiple submitters, no conflicts (2 of 4 stars). 4 submissions from 4 submitters: Uncertain significance (4). Last evaluated 2026-05-14.

Conditions:
Cardiovascular phenotype. Identifiers: MedGen CN230736.
Arrhythmogenic right ventricular cardiomyopathy (ARVD). Also called: Cardiomyopathy, ARVC; Arrhythmogenic right ventricular dysplasia; Arrhythmogenic cardiomyopathy; Arrhythmogenic Right Ventricular Cardiomyopathy (ARVC). Identifiers: Orphanet 247, MedGen C0349788, MeSH D019571, MONDO:0016587. Disease mechanism: loss of function. Inheritance: Various modes of inheritance.
Cardiomyopathy (CMYO). Also called: Cardiomyopathies. Identifiers: Orphanet 167848, MedGen C0878544, MONDO:0004994, HP:0001638. Inheritance: Various modes of inheritance.
Arrhythmogenic right ventricular dysplasia 10. Also called: Arrhythmogenic Right Ventricular Dysplasia/Cardiomyopathy10; ARRHYTHMOGENIC RIGHT VENTRICULAR DYSPLASIA, FAMILIAL, 10; Arrhythmogenic right ventricular dysplasia/cardiomyopathy, type 10. Identifiers: MedGen C1857777, MONDO:0012434, OMIM 610193.

Allele frequency attached by ClinVar (database versions not stated): gnomAD exomes below 0.00001.
gnomAD v4.1: 2 of 1,614,206 alleles (0.00012%); highest among the groups gnomAD compares: Non-Finnish European, 0.00017%; no homozygotes.

Submissions (4):

Ambry Genetics
Classification: Uncertain significance for Cardiovascular phenotype. Last evaluated: 2026-05-14. Review status: criteria provided, single submitter. Criteria: Ambry Variant Classification Scheme 2023. Collection method: clinical testing. Allele origin: germline.
Comment: The p.A510T variant (also known as c.1528G>A), located in coding exon 11 of the DSG2 gene, results from a G to A substitution at nucleotide position 1528. The alanine at codon 510 is replaced by threonine, an amino acid with similar properties. This amino acid position is conserved. In addition, this alteration is predicted to be tolerated by in silico analysis. Based on the available evidence, the clinical significance of this variant remains unclear.

Labcorp Genetics (formerly Invitae), Labcorp
Classification: Uncertain significance for Arrhythmogenic right ventricular dysplasia 10. Last evaluated: 2025-03-09. Review status: criteria provided, single submitter. Criteria: Invitae Variant Classification Sherloc (09022015). Collection method: clinical testing. Allele origin: germline.
Comment: This sequence change replaces alanine, which is neutral and non-polar, with threonine, which is neutral and polar, at codon 510 of the DSG2 protein (p.Ala510Thr). This variant is not present in population databases (gnomAD no frequency). This variant has not been reported in the literature in individuals affected with DSG2-related conditions. ClinVar contains an entry for this variant (Variation ID: 921479). Invitae Evidence Modeling of protein sequence and biophysical properties (such as structural, functional, and spatial information, amino acid conservation, physicochemical variation, residue mobility, and thermodynamic stability) indicates that this missense variant is not expected to disrupt DSG2 protein function with a negative predictive value of 95%. In summary, the available evidence is currently insufficient to determine the role of this variant in disease. Therefore, it has been classified as a Variant of Uncertain Significance.

Color Diagnostics, LLC DBA Color Health
Classification: Uncertain significance for Cardiomyopathy. Last evaluated: 2024-03-06. Review status: criteria provided, single submitter. Criteria: ACMG Guidelines, 2015. Collection method: clinical testing. Allele origin: germline.
Comment: This missense variant replaces alanine with threonine at codon 510 of the DSG2 protein. Computational prediction suggests that this variant may not impact protein structure and function (internally defined REVEL score threshold <= 0.5, PMID: 27666373). To our knowledge, functional studies have not been reported for this variant. This variant has not been reported in individuals affected with cardiovascular disorders in the literature. This variant has not been identified in the general population by the Genome Aggregation Database (gnomAD). The available evidence is insufficient to determine the role of this variant in disease conclusively. Therefore, this variant is classified as a Variant of Uncertain Significance.

All of Us Research Program, National Institutes of Health
Classification: Uncertain significance for Arrhythmogenic right ventricular cardiomyopathy. Last evaluated: 2024-01-11. Review status: criteria provided, single submitter. Criteria: ACMG Guidelines, 2015. Collection method: clinical testing. Allele origin: germline. Inheritance: Autosomal dominant inheritance. Observed: 1 variant allele, 1 heterozygote.
Comment: This missense variant replaces alanine with threonine at codon 510 of the DSG2 protein. Computational prediction tools and conservation analyses suggest that this variant may not impact the protein function. Computational splicing tools suggest that this variant may not impact RNA splicing. To our knowledge, functional assays have not been performed for this variant nor has this variant been reported in individuals affected with cardiovascular disorders in the literature. This variant has not been identified in the general population by the Genome Aggregation Database (gnomAD). Available evidence is insufficient to determine the role of this variant in disease conclusively. Therefore, this variant is classified as a Variant of Uncertain Significance.

This study involves interpretation of variants in research participants for the purpose of population health screening. Participant phenotype was not available at the time of variant classification. Additional details can be found in publication PMID: 35346344, PMCID: PMC8962531

NM_001943.5(DSG2):c.1528G>A (p.Ala510Thr)

Gene: DSG2 (desmoglein 2; plus strand). Cytogenetic location: 18q12.1.
Variant type: single nucleotide variant.
Coding change: c.1528G>A on transcript NM_001943.5 (MANE Select); coding-DNA position 1528, G replaced by A.
Protein change: p.Ala510Thr; replaces alanine 510 with threonine.
Molecular consequence: missense variant.
Genome position (GRCh38, 1-based): chr18:31,536,306, G>A. VCF-style: chr18-31536306-G-A. GRCh37 (hg19) VCF-style: chr18-29116269-G-A.
Other names: c.1528G>A (NM_001943.3); short protein forms A510T.
Identifiers: ClinVar variation 921479 (VCV000921479.9), dbSNP rs2073230343, ClinGen allele CA402141650.